The following is an entry in ClinVar:

ClinVar aggregate classification (germline): Uncertain significance. Review status: criteria provided, multiple submitters, no conflicts (2 of 4 stars). 2 submissions from 2 submitters: Uncertain significance (2). Last evaluated 2022-04-08.

Conditions:
Granulomatous disease, chronic, autosomal recessive, cytochrome b-positive, type 3. Also called: CGD, AUTOSOMAL RECESSIVE CYTOCHROME b-POSITIVE, TYPE III; GRANULOMATOUS DISEASE, CHRONIC, DUE TO NCF4 DEFICIENCY; Granulomatous disease, chronic, autosomal recessive, cytochrome b-positive, type III; GRANULOMATOUS DISEASE, CHRONIC, AUTOSOMAL RECESSIVE, 3. Identifiers: Orphanet 379, MedGen C3151409, MONDO:0013507, OMIM 613960.

Allele frequency attached by ClinVar (database versions not stated): gnomAD exomes below 0.00001; gnomAD 0.00001.
gnomAD v4.1: 1 of 1,610,650 alleles (0.000062%); highest among the groups gnomAD compares: Non-Finnish European, 0.000085%; no homozygotes.

Submissions (2):

Ambry Genetics
Classification: Uncertain significance. Last evaluated: 2022-04-08. Review status: criteria provided, single submitter. Criteria: Ambry Variant Classification Scheme 2023. Collection method: clinical testing. Allele origin: germline.

Labcorp Genetics (formerly Invitae), Labcorp
Classification: Uncertain significance for Granulomatous disease, chronic, autosomal recessive, cytochrome b-positive, type 3. Last evaluated: 2018-10-31. Review status: criteria provided, single submitter. Criteria: Invitae Variant Classification Sherloc (09022015). Collection method: clinical testing. Allele origin: germline.
Comment: In summary, the available evidence is currently insufficient to determine the role of this variant in disease. Therefore, it has been classified as a Variant of Uncertain Significance. Algorithms developed to predict the effect of missense changes on protein structure and function do not agree on the potential impact of this missense change (SIFT: "Tolerated"; PolyPhen-2: "Probably Damaging"; Align-GVGD: "Class C0"). This variant has not been reported in the literature in individuals with NCF4-related disease. This variant is not present in population databases (ExAC no frequency). This sequence change replaces threonine with proline at codon 182 of the NCF4 protein (p.Thr182Pro). The threonine residue is moderately conserved and there is a small physicochemical difference between threonine and proline.

NM_000631.5(NCF4):c.544A>C (p.Thr182Pro)

Gene: NCF4 (neutrophil cytosolic factor 4; plus strand). Cytogenetic location: 22q12.3.
Variant type: single nucleotide variant.
Coding change: c.544A>C on transcript NM_000631.5 (MANE Select); coding-DNA position 544, A replaced by C.
Protein change: p.Thr182Pro; replaces threonine 182 with proline.
Molecular consequence: missense variant.
Genome position (GRCh38, 1-based): chr22:36,872,342, A>C. VCF-style: chr22-36872342-A-C. GRCh37 (hg19) VCF-style: chr22-37268384-A-C.
Other names: c.544A>C, p.Thr182Pro (NM_013416.4); short protein forms T182P.
Identifiers: ClinVar variation 539175 (VCV000539175.10), dbSNP rs1168414742, ClinGen allele CA411385582.